The following is an entry in ClinVar:

NM_012281.3(KCND2):c.1301G>A (p.Arg434Gln)

Gene: KCND2 (potassium voltage-gated channel subfamily D member 2; plus strand). Cytogenetic location: 7q31.31.
Variant type: single nucleotide variant.
Coding change: c.1301G>A on transcript NM_012281.3 (MANE Select); coding-DNA position 1301, G replaced by A.
Protein change: p.Arg434Gln; replaces arginine 434 with glutamine.
Molecular consequence: missense variant.
Genome position (GRCh38, 1-based): chr7:120,741,556, G>A. VCF-style: chr7-120741556-G-A. GRCh37 (hg19) VCF-style: chr7-120381610-G-A.
Other names: short protein forms R434Q.
Identifiers: ClinVar variation 2775773 (VCV002775773.3), dbSNP rs765617019, ClinGen allele CA4453644.

ClinVar aggregate classification (germline): Uncertain significance (1 of 4 stars; one submission).

Conditions:
Early Myoclonic Encephalopathy. Identifiers: MedGen C0270855.

Allele frequency attached by ClinVar (database versions not stated): gnomAD 0.00002; ExAC 0.00002; TOPMed 0.00003; gnomAD exomes 0.00001.
gnomAD v4.1: 18 of 1,612,846 alleles (0.0011%); highest among the groups gnomAD compares: African/African-American, 0.004%; no homozygotes.

Submission:

Labcorp Genetics (formerly Invitae), Labcorp
Classification: Uncertain significance for Early Myoclonic Encephalopathy. Last evaluated: 2023-08-02. Review status: criteria provided, single submitter. Criteria: Invitae Variant Classification Sherloc (09022015). Collection method: clinical testing. Allele origin: germline.
Comment: In summary, the available evidence is currently insufficient to determine the role of this variant in disease. Therefore, it has been classified as a Variant of Uncertain Significance. Advanced modeling of protein sequence and biophysical properties (such as structural, functional, and spatial information, amino acid conservation, physicochemical variation, residue mobility, and thermodynamic stability) performed at Invitae indicates that this missense variant is not expected to disrupt KCND2 protein function. This variant has not been reported in the literature in individuals affected with KCND2-related conditions. This variant is present in population databases (rs765617019, gnomAD 0.007%). This sequence change replaces arginine, which is basic and polar, with glutamine, which is neutral and polar, at codon 434 of the KCND2 protein (p.Arg434Gln).